The following is an entry in ClinVar:

ClinVar aggregate classification (germline): Benign/Likely benign. Review status: criteria provided, multiple submitters, no conflicts (2 of 4 stars). 3 submissions from 3 submitters: Benign (1); Likely benign (2). Last evaluated 2025-07-01.

Conditions:
Hypotrichosis 6 (HYPT6). Also called: MONILETHRIX-LIKE HYPOTRICHOSIS; HYPOTRICHOSIS, LOCALIZED, AUTOSOMAL RECESSIVE 1. Identifiers: Orphanet 55654, MedGen C1842839, MONDO:0011932, OMIM 607903.

Allele frequency attached by ClinVar (database versions not stated): gnomAD 0.00048 and 0.00069; gnomAD exomes 0.00058 and 0.00159; TOPMed 0.00097; ExAC 0.00143; 1000 Genomes Project 30x 0.00281; 1000 Genomes Project 0.00319.
gnomAD v4.1: 979 of 1,614,208 alleles (0.061%); highest among the groups gnomAD compares: East Asian, 1.3%; 8 homozygotes.

Submissions (3):

CeGaT Center for Human Genetics Tuebingen
Classification: Likely benign. Last evaluated: 2025-07-01. Review status: criteria provided, single submitter. Criteria: CeGaT Center For Human Genetics Tuebingen Variant Classification Criteria Version 2. Collection method: clinical testing. Allele origin: germline. Affected: yes. Observed: 1 variant allele.
Comment: DSG4: BP4, BP7, BS1

Labcorp Genetics (formerly Invitae), Labcorp
Classification: Benign. Last evaluated: 2025-04-19. Review status: criteria provided, single submitter. Criteria: Invitae Variant Classification Sherloc (09022015). Collection method: clinical testing. Allele origin: germline.

Illumina Laboratory Services, Illumina
Classification: Likely benign for Hypotrichosis 6. Last evaluated: 2018-01-12. Review status: criteria provided, single submitter. Criteria: ICSL Variant Classification Criteria 13 December 2019. Collection method: clinical testing. Allele origin: germline.
Comment: This variant was observed in the ICSL laboratory as part of a predisposition screen in an ostensibly healthy population. It had not been previously curated by ICSL or reported in the Human Gene Mutation Database (HGMD: prior to June 1st, 2018), and was therefore a candidate for classification through an automated scoring system. Utilizing variant allele frequency, disease prevalence and penetrance estimates, and inheritance mode, an automated score was calculated to assess if this variant is too frequent to cause the disease. Based on the score and internal cut-off values, a variant classified as likely benign is not then subjected to further curation. The score for this variant resulted in a classification of likely benign for this disease.

NM_177986.5(DSG4):c.2589A>C (p.Pro863=)

Genes: DSG1-AS1 (DSG1 antisense RNA 1; minus strand), DSG4 (desmoglein 4; plus strand). Cytogenetic location: 18q12.1.
Variant type: single nucleotide variant.
Coding change: c.2589A>C on transcript NM_177986.5 (MANE Select); coding-DNA position 2589, A replaced by C.
Protein change: p.Pro863=; no amino-acid change (proline 863 retained).
Molecular consequence: synonymous variant.
Genome position (GRCh38, 1-based): chr18:31,413,061, A>C. VCF-style: chr18-31413061-A-C. GRCh37 (hg19) VCF-style: chr18-28993024-A-C.
Other names: c.2646A>C, p.Pro882= (NM_001134453.3).
Identifiers: ClinVar variation 731257 (VCV000731257.20), dbSNP rs148491546, ClinGen allele CA8927368.